The following is an entry in ClinVar:

ClinVar aggregate classification (germline): Likely benign (0 of 4 stars; one submission).

Conditions:
ESRP2-related disorder. Also called: ESRP2-related condition.

Allele frequency attached by ClinVar (database versions not stated): 1000 Genomes Project 30x 0.00094; 1000 Genomes Project 0.00100; ESP Exome Variant Server 0.00223; ExAC 0.00243; gnomAD 0.00265; TOPMed 0.00266.

Submission:

PreventionGenetics, part of Exact Sciences
Classification: Likely benign for ESRP2-related condition. Last evaluated: 2019-04-26. Review status: no assertion criteria provided. Collection method: clinical testing. Allele origin: germline.
Comment: This variant is classified as likely benign based on ACMG/AMP sequence variant interpretation guidelines (Richards et al. 2015 PMID: 25741868, with internal and published modifications).

NM_024939.3(ESRP2):c.1788C>T (p.Pro596=)

Gene: ESRP2 (epithelial splicing regulatory protein 2; minus strand). Cytogenetic location: 16q22.1.
Variant type: single nucleotide variant.
Coding change: c.1788C>T on transcript NM_024939.3 (MANE Select); coding-DNA position 1788, C replaced by T.
Protein change: p.Pro596=; no amino-acid change (proline 596 retained).
Molecular consequence: synonymous variant.
Genome position (GRCh38, 1-based): chr16:68,230,951, G>A on the plus strand (C>T on the coding strand, the complement: ESRP2 is on the minus strand). VCF-style: chr16-68230951-G-A. GRCh37 (hg19) VCF-style: chr16-68264854-G-A.
Other names: c.1818C>T, p.Pro606= (NM_001365264.1); c.1788C>T, p.Pro596= (NM_001365265.1).
Identifiers: ClinVar variation 3038594 (VCV003038594.2), dbSNP rs117260313, ClinGen allele CA8125149.